The following is an entry in ClinVar:

NM_002471.4(MYH6):c.5336C>T (p.Ala1779Val)

Gene: MYH6 (myosin heavy chain 6; minus strand). Cytogenetic location: 14q11.2.
Variant type: single nucleotide variant.
Coding change: c.5336C>T on transcript NM_002471.4 (MANE Select); coding-DNA position 5336, C replaced by T.
Protein change: p.Ala1779Val; replaces alanine 1779 with valine.
Molecular consequence: missense variant.
Genome position (GRCh38, 1-based): chr14:23,384,671, G>A on the plus strand (C>T on the coding strand, the complement: MYH6 is on the minus strand). VCF-style: chr14-23384671-G-A. GRCh37 (hg19) VCF-style: chr14-23853880-G-A.
Other names: short protein forms A1779V.
Identifiers: ClinVar variation 1746902 (VCV001746902.2), dbSNP rs769271404, ClinGen allele CA388985369.
Genomic context (GRCh38, chr14:23,384,671, plus strand): 5'-AGCCGGTGCTGCAGGTCCTTAATGGTCTGCTCCATGTTCTTCTTCATGCGCTCCAGGTGG[G>A]CGCTGGTGTCCTGCTCCTTCTTCAGCTCCTCTGCCATCATGGCGGCCTGTGTGCAGGAGA-3'
Protein context (NP_002462.2, residues 1769-1789): EELKKEQDTS[Ala1779Val]HLERMKKNME

ClinVar aggregate classification (germline): Uncertain significance (1 of 4 stars; one submission).

Conditions:
Cardiovascular phenotype. Identifiers: MedGen CN230736.

gnomAD v4.1: 1 of 1,614,234 alleles (0.000062%); highest among the groups gnomAD compares: Non-Finnish European, 0.000085%; no homozygotes.

Submission:

Ambry Genetics
Classification: Uncertain significance for Cardiovascular phenotype. Last evaluated: 2020-11-17. Review status: criteria provided, single submitter. Criteria: Ambry Variant Classification Scheme 2023. Collection method: clinical testing. Allele origin: germline.
Comment: The p.A1779V variant (also known as c.5336C>T), located in coding exon 34 of the MYH6 gene, results from a C to T substitution at nucleotide position 5336. The alanine at codon 1779 is replaced by valine, an amino acid with similar properties. This amino acid position is highly conserved in available vertebrate species. In addition, the in silico prediction for this alteration is inconclusive. Since supporting evidence is limited at this time, the clinical significance of this alteration remains unclear.